The following is an entry in ClinVar:

ClinVar aggregate classification (germline): Pathogenic/Likely pathogenic. Review status: criteria provided, multiple submitters, no conflicts (2 of 4 stars). 2 submissions from 2 submitters: Pathogenic (1); Likely pathogenic (1). Last evaluated 2024-12-02.

Allele frequency attached by ClinVar (database versions not stated): gnomAD exomes below 0.00001; TOPMed 0.00001; gnomAD 0.00002; ESP Exome Variant Server 0.00008.
gnomAD v4.1: 5 of 1,612,916 alleles (0.00031%); highest among the groups gnomAD compares: African/African-American, 0.0053%; no homozygotes.

Submissions (2):

Athena Diagnostics
Classification: Pathogenic. Last evaluated: 2024-12-02. Review status: criteria provided, single submitter. Criteria: Athena Diagnostics Criteria. Collection method: clinical testing. Allele origin: unknown.
Comment: This variant is expected to severely impact normal RNA splicing, and consequently, protein structure and/or function. The frequency of this variant in the general population is consistent with pathogenicity. This variant has been identified in at least one individual with clinical features associated with this gene.

Labcorp Genetics (formerly Invitae), Labcorp
Classification: Likely pathogenic. Last evaluated: 2023-06-14. Review status: criteria provided, single submitter. Criteria: Invitae Variant Classification Sherloc (09022015). Collection method: clinical testing. Allele origin: germline.
Comment: In summary, the currently available evidence indicates that the variant is pathogenic, but additional data are needed to prove that conclusively. Therefore, this variant has been classified as Likely Pathogenic. Algorithms developed to predict the effect of sequence changes on RNA splicing suggest that this variant may disrupt the consensus splice site. This variant has not been reported in the literature in individuals affected with ANO10-related conditions. This variant is not present in population databases (gnomAD no frequency). This sequence change affects a donor splice site in intron 7 of the ANO10 gene. It is expected to disrupt RNA splicing. Variants that disrupt the donor or acceptor splice site typically lead to a loss of protein function (PMID: 16199547), and loss-of-function variants in ANO10 are known to be pathogenic (PMID: 25089919).

Literature cited by the submitters: PubMed 16199547 (cited by Labcorp Genetics (formerly Invitae), Labcorp); PubMed 25089919 (cited by Labcorp Genetics (formerly Invitae), Labcorp).

NM_018075.5(ANO10):c.1218+1G>C

Gene: ANO10 (anoctamin 10; minus strand). Cytogenetic location: 3p22.1.
Variant type: single nucleotide variant.
Coding change: c.1218+1G>C on transcript NM_018075.5 (MANE Select); the canonical splice donor site of the intron after coding-DNA position 1218, G replaced by C.
Molecular consequence: splice donor variant.
Genome position (GRCh38, 1-based): chr3:43,574,808, C>G on the plus strand (G>C on the coding strand, the complement: ANO10 is on the minus strand). VCF-style: chr3-43574808-C-G. GRCh37 (hg19) VCF-style: chr3-43616300-C-G.
Other names: c.1218+1G>C (NM_018075.3, NM_001346468.2, NM_001346465.2 and 4 more transcripts); c.1020+1G>C (NM_001346469.2, NM_001204832.3, NM_001346466.2); c.885+1G>C (NM_001204833.3); c.648+1G>C (NM_001204834.3).
Identifiers: ClinVar variation 2792800 (VCV002792800.5), dbSNP rs375479262, ClinGen allele CA74377819.